The following is an entry in ClinVar:

ClinVar aggregate classification (germline): Uncertain significance (1 of 4 stars; one submission).

Submission:

Ambry Genetics
Classification: Uncertain significance. Last evaluated: 2025-04-03. Review status: criteria provided, single submitter. Criteria: Ambry Variant Classification Scheme 2023. Collection method: clinical testing. Allele origin: germline.
Comment: The p.H578D variant (also known as c.1732C>G), located in coding exon 7 of the WNK2 gene, results from a C to G substitution at nucleotide position 1732. The histidine at codon 578 is replaced by aspartic acid, an amino acid with similar properties. This amino acid position is conserved. In addition, this alteration is predicted to be tolerated by in silico analysis. Based on the available evidence, the clinical significance of this variant remains unclear.

NM_006648.4(WNK2):c.1732C>G (p.His578Asp)

Gene: WNK2 (WNK lysine deficient protein kinase 2; plus strand). Cytogenetic location: 9q22.31.
Variant type: single nucleotide variant.
Coding change: c.1732C>G on transcript NM_006648.4 (MANE Select); coding-DNA position 1732, C replaced by G.
Protein change: p.His578Asp; replaces histidine 578 with aspartic acid.
Molecular consequence: missense variant.
Genome position (GRCh38, 1-based): chr9:93,247,732, C>G. VCF-style: chr9-93247732-C-G. GRCh37 (hg19) VCF-style: chr9-96010014-C-G.
Other names: c.1732C>G, p.His578Asp (NM_001282394.3); short protein forms H578D.
Identifiers: ClinVar variation 3981791 (VCV003981791.1).